The following is an entry in ClinVar:

NM_001378778.1(MPDZ):c.3837C>A (p.Asp1279Glu)

Gene: MPDZ (multiple PDZ domain crumbs cell polarity complex component; minus strand). Cytogenetic location: 9p23.
Variant type: single nucleotide variant.
Coding change: c.3837C>A on transcript NM_001378778.1 (MANE Select); coding-DNA position 3837, C replaced by A.
Protein change: p.Asp1279Glu; replaces aspartic acid 1279 with glutamic acid.
Molecular consequence: missense variant. On other transcripts: intron variant (14).
Genome position (GRCh38, 1-based): chr9:13,143,469, G>T on the plus strand (C>A on the coding strand, the complement: MPDZ is on the minus strand). VCF-style: chr9-13143469-G-T. GRCh37 (hg19) VCF-style: chr9-13143468-G-T.
Other names: c.3837C>A, p.Asp1279Glu (NM_001330637.2, NM_001375413.1, NM_003829.5); c.3631-3320C>A (NM_001375425.1, NM_001375420.1, NM_001375423.1 and 4 more transcripts); c.3742-3320C>A (NM_001375419.1, NM_001375416.1, NM_001375418.1 and 3 more transcripts); c.3433-3320C>A (NM_001375427.1); c.3837C>A (NM_003829.3); short protein forms D1279E.
Identifiers: ClinVar variation 2088687 (VCV002088687.3), dbSNP rs745439826, ClinGen allele CA372949821.

ClinVar aggregate classification (germline): Uncertain significance. Review status: criteria provided, multiple submitters, no conflicts (2 of 4 stars). 2 submissions from 2 submitters: Uncertain significance (2). Last evaluated 2025-12-15.

Conditions:
Inborn genetic diseases. Identifiers: MedGen C0950123, MeSH D030342.

gnomAD v4.1: 10 of 1,610,618 alleles (0.00062%); highest among the groups gnomAD compares: Non-Finnish European, 0.00085%; no homozygotes.

Submissions (2):

Ambry Genetics
Classification: Uncertain significance for Inborn genetic diseases. Last evaluated: 2025-12-15. Review status: criteria provided, single submitter. Criteria: Ambry Variant Classification Scheme 2023. Collection method: clinical testing. Allele origin: germline.

Labcorp Genetics (formerly Invitae), Labcorp
Classification: Uncertain significance. Last evaluated: 2022-01-19. Review status: criteria provided, single submitter. Criteria: Invitae Variant Classification Sherloc (09022015). Collection method: clinical testing. Allele origin: germline.
Comment: In summary, the available evidence is currently insufficient to determine the role of this variant in disease. Therefore, it has been classified as a Variant of Uncertain Significance. Algorithms developed to predict the effect of missense changes on protein structure and function are either unavailable or do not agree on the potential impact of this missense change (SIFT: "Deleterious"; PolyPhen-2: "Benign"; Align-GVGD: "Class C35"). This variant has not been reported in the literature in individuals affected with MPDZ-related conditions. This variant is not present in population databases (gnomAD no frequency). This sequence change replaces aspartic acid, which is acidic and polar, with glutamic acid, which is acidic and polar, at codon 1279 of the MPDZ protein (p.Asp1279Glu).